The following is an entry in ClinVar:

NM_001875.5(CPS1):c.547del (p.Ile183fs)

Gene: CPS1 (carbamoyl-phosphate synthase 1; plus strand). Cytogenetic location: 2q34.
Variant type: Deletion.
Coding change: c.547del on transcript NM_001875.5 (MANE Select); coding-DNA position 547, one base deleted (A; older notation c.547delA).
Protein change: p.Ile183fs; shifts the reading frame from isoleucine 183.
Molecular consequence: frameshift variant. On other transcripts: non-coding transcript variant (1).
Genome position (GRCh38, 1-based): chr2:210,582,635, A deleted. VCF-style (leftmost placement, unchanged base first): chr2-210582634-GA-G. GRCh37 (hg19) VCF-style: chr2-211447358-GA-G.
Other names: p.Ile183LeufsTer18; c.547del, p.Ile183fs (NM_001122633.3, NM_001369257.1); c.580del, p.Ile194fs (NM_001369256.1); c.547delA (NM_001875.5); short protein forms I183fs, I194fs.
Identifiers: ClinVar variation 3255574 (VCV003255574.2).

ClinVar aggregate classification (germline): Pathogenic (1 of 4 stars; one submission).

Conditions:
Congenital hyperammonemia, type I. Also called: Carbamoyl phosphate synthetase 1 deficiency; Hyperammonemia due to carbamoyl phosphate synthetase 1 deficiency; CPS 1 deficiency; Carbamyl phosphate synthetase (CPS) deficiency; CPS I DEFICIENCY; Carbamoyl phosphate synthetase I deficiency disease. Identifiers: Orphanet 147, MedGen C4082171, MONDO:0009376, OMIM 237300.

Submission:

Breakthrough Genomics
Classification: Pathogenic for Congenital hyperammonemia, type I. Last evaluated: 2021-11-17. Review status: criteria provided, single submitter. Criteria: ACMG Guidelines, 2015. Collection method: clinical testing. Allele origin: germline. Affected: yes.
Comment: This variant seems to be a novel variant, as it has not been previously reported in population databases or in the literature. However, several other truncating variants lying downstream of the variant, have been previously reported as pathogenic in the ClinVar database context of congenital hyperammonemia, type I. Loss-of-function variants in CPS1 are known to be pathogenic [PMID: 21120950].